The following is an entry in ClinVar:

ClinVar aggregate classification (germline): Likely benign. Review status: criteria provided, multiple submitters, no conflicts (2 of 4 stars). 4 submissions from 4 submitters: Likely benign (3). 1 of the submissions does not count toward it. Last evaluated 2025-12-08.

Conditions:
COL4A2-related disorder. Also called: COL4A2-related disorders; COL4A2-related condition.
Inborn genetic diseases. Identifiers: MedGen C0950123, MeSH D030342.

Allele frequency attached by ClinVar (database versions not stated): gnomAD exomes 0.00006 and 0.00018; ExAC 0.00022; 1000 Genomes Project 30x 0.00031; 1000 Genomes Project 0.00040; gnomAD 0.00086 and 0.00091; TOPMed 0.00090; ESP Exome Variant Server 0.00098.

Submissions (4):

Labcorp Genetics (formerly Invitae), Labcorp
Classification: Likely benign. Last evaluated: 2025-12-08. Review status: criteria provided, single submitter. Criteria: Invitae Variant Classification Sherloc (09022015). Collection method: clinical testing. Allele origin: germline.

Mayo Clinic Laboratories, Mayo Clinic
Classification: Likely benign. Last evaluated: 2025-07-01. Review status: criteria provided, single submitter. Criteria: ACMG Guidelines, 2015. Collection method: clinical testing. Allele origin: germline. Observed: 1 variant allele.
Comment: BS1, BP4, BP7

Ambry Genetics
Classification: Likely benign for Inborn genetic diseases. Last evaluated: 2021-10-09. Review status: criteria provided, single submitter. Criteria: Ambry Variant Classification Scheme 2023. Collection method: clinical testing. Allele origin: germline.

PreventionGenetics, part of Exact Sciences
Classification: Likely benign for COL4A2-related condition. Last evaluated: 2021-12-15. Review status: no assertion criteria provided. Collection method: clinical testing. Allele origin: germline. Not counted in ClinVar's aggregate classification.
Comment: This variant is classified as likely benign based on ACMG/AMP sequence variant interpretation guidelines (Richards et al. 2015 PMID: 25741868, with internal and published modifications).

NM_001846.4(COL4A2):c.315+4C>T

Gene: COL4A2 (collagen type IV alpha 2 chain; plus strand). Cytogenetic location: 13q34.
Variant type: single nucleotide variant.
Coding change: c.315+4C>T on transcript NM_001846.4 (MANE Select); 4 bases into the intron after coding-DNA position 315, C replaced by T.
Molecular consequence: intron variant.
Genome position (GRCh38, 1-based): chr13:110,424,872, C>T. VCF-style: chr13-110424872-C-T. GRCh37 (hg19) VCF-style: chr13-111077219-C-T.
Other names: p.?; c.315+4C>T (NM_001846.2, NM_001846.3).
Identifiers: ClinVar variation 1593000 (VCV001593000.12), dbSNP rs145900757, ClinGen allele CA7048829.